The following is an entry in ClinVar:

ClinVar aggregate classification (germline): Benign (0 of 4 stars; one submission).

Conditions:
TIAM1-related disorder. Also called: TIAM1-related condition.

Allele frequency attached by ClinVar (database versions not stated): gnomAD exomes 0.50370; ExAC 0.54067; ESP Exome Variant Server 0.55713; gnomAD 0.57398; TOPMed 0.58998; 1000 Genomes Project 0.59904; 1000 Genomes Project 30x 0.60540.
gnomAD v4.1: 823,073 of 1,612,182 alleles (51%); highest among the groups gnomAD compares: African/African-American, 73%; 214,365 homozygotes.

Submission:

PreventionGenetics, part of Exact Sciences
Classification: Benign for TIAM1-related condition. Last evaluated: 2019-10-17. Review status: no assertion criteria provided. Collection method: clinical testing. Allele origin: germline.
Comment: This variant is classified as benign based on ACMG/AMP sequence variant interpretation guidelines (Richards et al. 2015 PMID: 25741868, with internal and published modifications).

NM_001353694.2(TIAM1):c.4046-3T>C

Gene: TIAM1 (TIAM Rac1 associated GEF 1; minus strand). Cytogenetic location: 21q22.11.
Variant type: single nucleotide variant.
Coding change: c.4046-3T>C on transcript NM_001353694.2 (MANE Select); 3 bases into the intron before coding-DNA position 4046, T replaced by C.
Molecular consequence: intron variant.
Genome position (GRCh38, 1-based): chr21:31,127,155, A>G on the plus strand (T>C on the coding strand, the complement: TIAM1 is on the minus strand). VCF-style: chr21-31127155-A-G. GRCh37 (hg19) VCF-style: chr21-32499473-A-G.
Other names: c.4046-3T>C (NM_001353690.1, NM_003253.3, NM_001353688.1 and 4 more transcripts); c.3971-3T>C (NM_001353687.2, NM_001353686.2); c.1070-3T>C (NM_001353685.2); c.1145-3T>C (NM_001353684.2).
Identifiers: ClinVar variation 3059392 (VCV003059392.2), dbSNP rs2070410, ClinGen allele CA9997602.
Genomic context (GRCh38, chr21:31,127,155, plus strand): 5'-CTCCCTTCAGACTCGGATTTTACATGGACAATTTCACACACGGCATTTGCCTCTGCATCT[A>G]AAGAAATTAAAACAACAATGAATCAGGGTATGTTTCAAGTGGATTTATTTACATGTTTGC-3'